The following is an entry in ClinVar:

ClinVar aggregate classification (germline): Likely benign. Review status: criteria provided, multiple submitters, no conflicts (2 of 4 stars). 3 submissions from 3 submitters: Likely benign (3). Last evaluated 2024-03-14.

Conditions:
Familial thoracic aortic aneurysm and aortic dissection (TAAD). Also called: Thoracic aortic aneurysms and dissections. Identifiers: Orphanet 91387, MedGen C4707243, MONDO:0019625.
Aortic aneurysm, familial thoracic 4 (AAT4). Also called: AORTIC ANEURYSM/AORTIC DISSECTION AND PATENT DUCTUS ARTERIOSUS. Identifiers: MedGen C1851504, MONDO:0007568, OMIM 132900.

Allele frequency attached by ClinVar (database versions not stated): gnomAD exomes below 0.00001; ExAC 0.00001.
gnomAD v4.1: 3 of 1,614,168 alleles (0.00019%); highest among the groups gnomAD compares: Admixed American, 0.0017%; no homozygotes.

Submissions (3):

All of Us Research Program, National Institutes of Health
Classification: Likely benign for Familial thoracic aortic aneurysm and aortic dissection. Last evaluated: 2024-03-14. Review status: criteria provided, single submitter. Criteria: ACMG Guidelines, 2015. Collection method: clinical testing. Allele origin: germline. Inheritance: Autosomal dominant inheritance. Observed: 1 variant allele, 1 heterozygote.
Comment: This study involves interpretation of variants in research participants for the purpose of population health screening. Participant phenotype was not available at the time of variant classification. Additional details can be found in publication PMID: 35346344, PMCID: PMC8962531

Labcorp Genetics (formerly Invitae), Labcorp
Classification: Likely benign for Aortic aneurysm, familial thoracic 4. Last evaluated: 2023-03-18. Review status: criteria provided, single submitter. Criteria: Invitae Variant Classification Sherloc (09022015). Collection method: clinical testing. Allele origin: germline.

CeGaT Center for Human Genetics Tuebingen
Classification: Likely benign. Last evaluated: 2022-11-01. Review status: criteria provided, single submitter. Criteria: CeGaT Center For Human Genetics Tuebingen Variant Classification Criteria Version 2. Collection method: clinical testing. Allele origin: germline. Affected: yes. Observed: 1 variant allele.
Comment: MYH11: BP4, BP7

NM_002474.3(MYH11):c.1647C>T (p.Phe549=)

Gene: MYH11 (myosin heavy chain 11; minus strand). Cytogenetic location: 16p13.11.
Variant type: single nucleotide variant.
Coding change: c.1647C>T on transcript NM_002474.3 (MANE Select); coding-DNA position 1647, C replaced by T.
Protein change: p.Phe549=; no amino-acid change (phenylalanine 549 retained).
Molecular consequence: synonymous variant.
Genome position (GRCh38, 1-based): chr16:15,756,443, G>A on the plus strand (C>T on the coding strand, the complement: MYH11 is on the minus strand). VCF-style: chr16-15756443-G-A. GRCh37 (hg19) VCF-style: chr16-15850300-G-A.
Other names: c.1668C>T, p.Phe556= (NM_001040113.2, NM_001040114.2); c.1647C>T, p.Phe549= (NM_022844.3).
Identifiers: ClinVar variation 1879333 (VCV001879333.33), dbSNP rs768411810, ClinGen allele CA7922550.